The following is an entry in ClinVar:

NM_020964.3(EPG5):c.5052G>A (p.Thr1684=)

Gene: EPG5 (ectopic P-granules 5 autophagy tethering factor; minus strand). Cytogenetic location: 18q12.3.
Variant type: single nucleotide variant.
Coding change: c.5052G>A on transcript NM_020964.3 (MANE Select); coding-DNA position 5052, G replaced by A.
Protein change: p.Thr1684=; no amino-acid change (threonine 1684 retained).
Molecular consequence: synonymous variant.
Genome position (GRCh38, 1-based): chr18:45,887,808, C>T on the plus strand (G>A on the coding strand, the complement: EPG5 is on the minus strand). VCF-style: chr18-45887808-C-T. GRCh37 (hg19) VCF-style: chr18-43467773-C-T.
Other names: c.5052G>A, p.Thr1684= (LRG_1234t1).
Identifiers: ClinVar variation 493236 (VCV000493236.53), dbSNP rs199648768, ClinGen allele CA8948687.

ClinVar aggregate classification (germline): Likely benign. Review status: criteria provided, multiple submitters, no conflicts (2 of 4 stars). 3 submissions from 3 submitters: Likely benign (3). Last evaluated 2026-01-19.

Conditions:
Vici syndrome (VICIS). Identifiers: Orphanet 1493, MedGen C1855772, MONDO:0009452, OMIM 242840.

Allele frequency attached by ClinVar (database versions not stated): gnomAD 0.00062 and 0.00065; TOPMed 0.00070; ESP Exome Variant Server 0.00081; ExAC 0.00047; gnomAD exomes 0.00049.
gnomAD v4.1: 1,136 of 1,602,954 alleles (0.071%); highest among the groups gnomAD compares: Non-Finnish European, 0.08%; 1 homozygote.

Submissions (3):

Labcorp Genetics (formerly Invitae), Labcorp
Classification: Likely benign for Vici syndrome. Last evaluated: 2026-01-19. Review status: criteria provided, single submitter. Criteria: Invitae Variant Classification Sherloc (09022015). Collection method: clinical testing. Allele origin: germline.

CeGaT Center for Human Genetics Tuebingen
Classification: Likely benign. Last evaluated: 2025-05-01. Review status: criteria provided, single submitter. Criteria: CeGaT Center For Human Genetics Tuebingen Variant Classification Criteria Version 2. Collection method: clinical testing. Allele origin: germline. Affected: yes. Observed: 5 variant alleles.
Comment: EPG5: BP4, BP7

Blueprint Genetics
Classification: Likely benign. Last evaluated: 2024-11-19. Review status: criteria provided, single submitter. Criteria: ACMG Guidelines, 2015. Collection method: clinical testing. Allele origin: germline.